The following is an entry in ClinVar:

ClinVar aggregate classification (germline): Pathogenic/Likely pathogenic. Review status: criteria provided, multiple submitters, no conflicts (2 of 4 stars). 2 submissions from 2 submitters: Pathogenic (1); Likely pathogenic (1). Last evaluated 2025-11-24.

Conditions:
COL2A1-related disorder. Also called: COL2A1-related condition; COL2A1-related disorders.

Submissions (2):

Labcorp Genetics (formerly Invitae), Labcorp
Classification: Pathogenic. Last evaluated: 2025-11-24. Review status: criteria provided, single submitter. Criteria: Invitae Variant Classification Sherloc (09022015). Collection method: clinical testing. Allele origin: germline.
Comment: This sequence change affects an acceptor splice site in intron 17 of the COL2A1 gene. RNA analysis indicates that disruption of this splice site induces altered splicing and may result in an absent or altered protein product. This variant is not present in population databases (gnomAD no frequency). Disruption of this splice site has been observed in individual(s) with autosomal dominant Stickler syndrome (PMID: 21186996). It has also been observed to segregate with disease in related individuals. This variant is also known as A>G transition at the -2 position of the 3' splice acceptor site of intron 17. ClinVar contains an entry for this variant (Variation ID: 2137344). Studies have shown that disruption of this splice site results in activation of a cryptic splice site, and produces a non-functional protein and/or introduces a premature termination codon (PMID: 21186996). For these reasons, this variant has been classified as Pathogenic.

Blueprint Genetics
Classification: Likely pathogenic for COL2A1-related disorders. Last evaluated: 2019-11-15. Review status: criteria provided, single submitter. Criteria: ACMG Guidelines, 2015. Collection method: clinical testing. Allele origin: germline. Affected: yes. Observed: 1 variant allele.

Literature cited by the submitters: PubMed 21186996 (cited by Labcorp Genetics (formerly Invitae), Labcorp).

NM_001844.5(COL2A1):c.1069-2A>G

Gene: COL2A1 (collagen type II alpha 1 chain; minus strand). Cytogenetic location: 12q13.11.
Variant type: single nucleotide variant.
Coding change: c.1069-2A>G on transcript NM_001844.5 (MANE Select); the canonical splice acceptor site of the intron before coding-DNA position 1069, A replaced by G.
Molecular consequence: splice acceptor variant.
Genome position (GRCh38, 1-based): chr12:47,989,283, T>C on the plus strand (A>G on the coding strand, the complement: COL2A1 is on the minus strand). VCF-style: chr12-47989283-T-C. GRCh37 (hg19) VCF-style: chr12-48383066-T-C.
Other names: c.862-2A>G (NM_033150.3).
Identifiers: ClinVar variation 2137344 (VCV002137344.5), dbSNP rs2540157602, ClinGen allele CA384555402.